The following is an entry in ClinVar:

ClinVar aggregate classification (germline): Pathogenic (1 of 4 stars; one submission).

Conditions:
Neurofibromatosis, type 1 (NF1). Also called: NEUROFIBROMATOSIS, TYPE I, SOMATIC; VON RECKLINGHAUSEN DISEASE; Peripheral type neurofibromatosis; Neurofibromatosis, type I. Identifiers: Orphanet 636, MedGen C0027831, MONDO:0018975, OMIM 162200. Disease mechanism: loss of function.

Submission:

Labcorp Genetics (formerly Invitae), Labcorp
Classification: Pathogenic for Neurofibromatosis, type 1. Last evaluated: 2025-08-30. Review status: criteria provided, single submitter. Criteria: Invitae Variant Classification Sherloc (09022015). Collection method: clinical testing. Allele origin: germline.
Comment: This sequence change creates a premature translational stop signal (p.Ser1270Hisfs*13) in the NF1 gene. It is expected to result in an absent or disrupted protein product. Loss-of-function variants in NF1 are known to be pathogenic (PMID: 10712197, 23913538). This variant is not present in population databases (gnomAD no frequency). This variant has not been reported in the literature in individuals affected with NF1-related conditions. For these reasons, this variant has been classified as Pathogenic.

Literature cited by the submitters: PubMed 10712197; PubMed 23913538.

NM_001042492.3(NF1):c.3808_3809del (p.Ser1270fs)

Gene: NF1 (neurofibromin 1; plus strand). Cytogenetic location: 17q11.2.
Variant type: Deletion.
Coding change: c.3808_3809del on transcript NM_001042492.3 (MANE Select); coding-DNA positions 3808 to 3809, 2 bases deleted (TC; older notation c.3808_3809delTC).
Protein change: p.Ser1270fs; shifts the reading frame from serine 1270.
Molecular consequence: frameshift variant.
Genome position (GRCh38, 1-based): chr17:31,235,710-31,235,711, TC deleted; deleting any 2 consecutive bases within chr17:31,235,709-31,235,711 gives the same sequence; the c. name uses the placement nearest the transcript's 3' end. VCF-style (leftmost placement, unchanged base first): chr17-31235708-ACT-A. GRCh37 (hg19) VCF-style: chr17-29562726-ACT-A.
Other names: c.3808_3809del, p.Ser1270fs (NM_000267.4); short protein forms S1270fs.
Identifiers: ClinVar variation 4726001 (VCV004726001.1).